The following is an entry in ClinVar:

ClinVar aggregate classification (germline): Uncertain significance (1 of 4 stars; one submission).

Submission:

Labcorp Genetics (formerly Invitae), Labcorp
Classification: Uncertain significance. Last evaluated: 2021-06-27. Review status: criteria provided, single submitter. Criteria: Invitae Variant Classification Sherloc (09022015). Collection method: clinical testing. Allele origin: germline.
Comment: In summary, the available evidence is currently insufficient to determine the role of this variant in disease. Therefore, it has been classified as a Variant of Uncertain Significance. Advanced modeling of protein sequence and biophysical properties (such as structural, functional, and spatial information, amino acid conservation, physicochemical variation, residue mobility, and thermodynamic stability) performed at Invitae indicates that this missense variant is not expected to disrupt GRIN2D protein function. This variant has not been reported in the literature in individuals with GRIN2D-related conditions. This variant is not present in population databases (ExAC no frequency). This sequence change replaces arginine with cysteine at codon 193 of the GRIN2D protein (p.Arg193Cys). The arginine residue is moderately conserved and there is a large physicochemical difference between arginine and cysteine.

NM_000836.4(GRIN2D):c.577C>T (p.Arg193Cys)

Gene: GRIN2D (glutamate ionotropic receptor NMDA type subunit 2D; plus strand). Cytogenetic location: 19q13.33.
Variant type: single nucleotide variant.
Coding change: c.577C>T on transcript NM_000836.4 (MANE Select); coding-DNA position 577, C replaced by T.
Protein change: p.Arg193Cys; replaces arginine 193 with cysteine.
Molecular consequence: missense variant.
Genome position (GRCh38, 1-based): chr19:48,404,845, C>T. VCF-style: chr19-48404845-C-T. GRCh37 (hg19) VCF-style: chr19-48908102-C-T.
Other names: short protein forms R193C.
Identifiers: ClinVar variation 1353768 (VCV001353768.8), dbSNP rs1970763786, ClinGen allele CA406691174.